The following is an entry in ClinVar:

ClinVar aggregate classification (germline): Conflicting classifications of pathogenicity. Review status: criteria provided, conflicting classifications (1 of 4 stars). 2 submissions from 2 submitters: Uncertain significance (1); Likely benign (1). Last evaluated 2025-03-02.

Conditions:
EGFR-related lung cancer (EGFR). Identifiers: MedGen CN130014.
Hereditary cancer-predisposing syndrome. Also called: Hereditary neoplastic syndrome; Neoplastic Syndromes, Hereditary; Tumor predisposition; Hereditary Cancer Syndrome. Identifiers: Orphanet 140162, MedGen C0027672, MeSH D009386, MONDO:0015356.

Submissions (2):

Labcorp Genetics (formerly Invitae), Labcorp
Classification: Uncertain significance for EGFR-related lung cancer. Last evaluated: 2025-03-02. Review status: criteria provided, single submitter. Criteria: Invitae Variant Classification Sherloc (09022015). Collection method: clinical testing. Allele origin: germline.
Comment: This sequence change replaces aspartic acid, which is acidic and polar, with glutamic acid, which is acidic and polar, at codon 1127 of the EGFR protein (p.Asp1127Glu). This variant is not present in population databases (gnomAD no frequency). This variant has not been reported in the literature in individuals affected with EGFR-related conditions. An algorithm developed to predict the effect of missense changes on protein structure and function (PolyPhen-2) suggests that this variant is likely to be tolerated. In summary, the available evidence is currently insufficient to determine the role of this variant in disease. Therefore, it has been classified as a Variant of Uncertain Significance.

Ambry Genetics
Classification: Likely benign for Hereditary cancer-predisposing syndrome. Last evaluated: 2025-02-11. Review status: criteria provided, single submitter. Criteria: Ambry Variant Classification Scheme 2023. Collection method: clinical testing. Allele origin: germline.

NM_005228.5(EGFR):c.3381C>A (p.Asp1127Glu)

Gene: EGFR (epidermal growth factor receptor; plus strand). Cytogenetic location: 7p11.2.
Variant type: single nucleotide variant.
Coding change: c.3381C>A on transcript NM_005228.5 (MANE Select); coding-DNA position 3381, C replaced by A.
Protein change: p.Asp1127Glu; replaces aspartic acid 1127 with glutamic acid.
Molecular consequence: missense variant.
Genome position (GRCh38, 1-based): chr7:55,205,365, C>A. VCF-style: chr7-55205365-C-A. GRCh37 (hg19) VCF-style: chr7-55273058-C-A.
Other names: c.3246C>A, p.Asp1082Glu (NM_001346899.2); c.3222C>A, p.Asp1074Glu (NM_001346900.2); c.2580C>A, p.Asp860Glu (NM_001346941.2); short protein forms D1074E, D1082E, D1127E, D860E.
Identifiers: ClinVar variation 3843831 (VCV003843831.2).